The following is an entry in ClinVar:

NM_016222.4(DDX41):c.581G>A (p.Arg194Lys)

Gene: DDX41 (DEAD-box helicase 41; minus strand). Cytogenetic location: 5q35.3.
Variant type: single nucleotide variant.
Coding change: c.581G>A on transcript NM_016222.4 (MANE Select); coding-DNA position 581, G replaced by A.
Protein change: p.Arg194Lys; replaces arginine 194 with lysine.
Molecular consequence: missense variant.
Genome position (GRCh38, 1-based): chr5:177,515,249, C>T on the plus strand (G>A on the coding strand, the complement: DDX41 is on the minus strand). VCF-style: chr5-177515249-C-T. GRCh37 (hg19) VCF-style: chr5-176942250-C-T.
Other names: c.203G>A, p.Arg68Lys (NM_001321732.2, NM_001321830.2); short protein forms R68K, R194K.
Identifiers: ClinVar variation 4010353 (VCV004010353.1).

ClinVar aggregate classification (germline): Uncertain significance (1 of 4 stars; one submission).

Conditions:
Inborn genetic diseases. Identifiers: MedGen C0950123, MeSH D030342.

gnomAD v4.1: 1 of 1,614,010 alleles (0.000062%); highest among the groups gnomAD compares: East Asian, 0.0022%; no homozygotes.

Submission:

Ambry Genetics
Classification: Uncertain significance for Inborn genetic diseases. Last evaluated: 2025-05-07. Review status: criteria provided, single submitter. Criteria: Ambry Variant Classification Scheme 2023. Collection method: clinical testing. Allele origin: germline.
Comment: The p.R194K variant (also known as c.581G>A), located in coding exon 7 of the DDX41 gene, results from a G to A substitution at nucleotide position 581. The arginine at codon 194 is replaced by lysine, an amino acid with highly similar properties. This amino acid position is conserved. In addition, this alteration is predicted to be tolerated by in silico analysis. Based on the available evidence, the clinical significance of this variant remains unclear.